The following is an entry in ClinVar:

NM_012414.4(RAB3GAP2):c.3704A>G (p.Lys1235Arg)

Gene: RAB3GAP2 (RAB3 GTPase activating non-catalytic protein subunit 2; minus strand). Cytogenetic location: 1q41.
Variant type: single nucleotide variant.
Coding change: c.3704A>G on transcript NM_012414.4 (MANE Select); coding-DNA position 3704, A replaced by G.
Protein change: p.Lys1235Arg; replaces lysine 1235 with arginine.
Molecular consequence: missense variant.
Genome position (GRCh38, 1-based): chr1:220,153,348, T>C on the plus strand (A>G on the coding strand, the complement: RAB3GAP2 is on the minus strand). VCF-style: chr1-220153348-T-C. GRCh37 (hg19) VCF-style: chr1-220326690-T-C.
Other names: short protein forms K1235R.
Identifiers: ClinVar variation 2185972 (VCV002185972.4), dbSNP rs2528607941, ClinGen allele CA344627296.

ClinVar aggregate classification (germline): Uncertain significance (1 of 4 stars; one submission).

Conditions:
Martsolf syndrome (MARTS). Also called: Congenital cataract with intellectual disability and hypogonadotropic hypogonadism syndrome. Identifiers: Orphanet 1387, MedGen C0796037, MONDO:0023910.
Warburg micro syndrome 2 (WARBM2). Also called: MICRO SYNDROME 2. Identifiers: Orphanet 2510, MedGen C3280214, MONDO:0013641, OMIM 614225.

Allele frequency attached by ClinVar (database versions not stated): gnomAD exomes below 0.00001.
gnomAD v4.1: 1 of 1,614,212 alleles (0.000062%); highest among the groups gnomAD compares: Non-Finnish European, 0.000085%; no homozygotes.

Submission:

Labcorp Genetics (formerly Invitae), Labcorp
Classification: Uncertain significance for Martsolf syndrome; Warburg micro syndrome 2. Last evaluated: 2022-01-12. Review status: criteria provided, single submitter. Criteria: Invitae Variant Classification Sherloc (09022015). Collection method: clinical testing. Allele origin: germline.
Comment: This sequence change replaces lysine, which is basic and polar, with arginine, which is basic and polar, at codon 1235 of the RAB3GAP2 protein (p.Lys1235Arg). This variant is not present in population databases (gnomAD no frequency). This variant has not been reported in the literature in individuals affected with RAB3GAP2-related conditions. Algorithms developed to predict the effect of missense changes on protein structure and function output the following: SIFT: "Tolerated"; PolyPhen-2: "Benign"; Align-GVGD: "Class C0". The arginine amino acid residue is found in multiple mammalian species, which suggests that this missense change does not adversely affect protein function. Algorithms developed to predict the effect of sequence changes on RNA splicing suggest that this variant may create or strengthen a splice site. In summary, the available evidence is currently insufficient to determine the role of this variant in disease. Therefore, it has been classified as a Variant of Uncertain Significance.